The following is an entry in ClinVar:

ClinVar aggregate classification (germline): Uncertain significance (1 of 4 stars; one submission).

Conditions:
Inborn genetic diseases. Identifiers: MedGen C0950123, MeSH D030342.

gnomAD v4.1: 2 of 1,614,064 alleles (0.00012%); highest among the groups gnomAD compares: Non-Finnish European, 0.000085%; no homozygotes.

Submission:

Ambry Genetics
Classification: Uncertain significance for Inborn genetic diseases. Last evaluated: 2024-11-28. Review status: criteria provided, single submitter. Criteria: Ambry Variant Classification Scheme 2023. Collection method: clinical testing. Allele origin: germline.
Comment: The p.H544R variant (also known as c.1631A>G), located in coding exon 7 of the SH2B3 gene, results from an A to G substitution at nucleotide position 1631. The histidine at codon 544 is replaced by arginine, an amino acid with highly similar properties. This amino acid position is conserved. In addition, this alteration is predicted to be tolerated by in silico analysis. Based on the available evidence, the clinical significance of this variant remains unclear.

NM_005475.3(SH2B3):c.1631A>G (p.His544Arg)

Gene: SH2B3 (SH2B adaptor protein 3; plus strand). Cytogenetic location: 12q24.12.
Variant type: single nucleotide variant.
Coding change: c.1631A>G on transcript NM_005475.3 (MANE Select); coding-DNA position 1631, A replaced by G.
Protein change: p.His544Arg; replaces histidine 544 with arginine.
Molecular consequence: missense variant.
Genome position (GRCh38, 1-based): chr12:111,448,205, A>G. VCF-style: chr12-111448205-A-G. GRCh37 (hg19) VCF-style: chr12-111886009-A-G.
Other names: c.1025A>G, p.His342Arg (NM_001291424.1); short protein forms H342R, H544R.
Identifiers: ClinVar variation 3440810 (VCV003440810.1).